The following is an entry in ClinVar:

NM_000297.4(PKD2):c.1678_1679del (p.Asn560fs)

Gene: PKD2 (polycystin 2, transient receptor potential cation channel; plus strand). Cytogenetic location: 4q22.1.
Variant type: Deletion.
Coding change: c.1678_1679del on transcript NM_000297.4 (MANE Select); coding-DNA positions 1678 to 1679, 2 bases deleted (AA; older notation c.1678_1679delAA).
Protein change: p.Asn560fs; shifts the reading frame from asparagine 560.
Molecular consequence: frameshift variant. On other transcripts: non-coding transcript variant (1).
Genome position (GRCh38, 1-based): chr4:88,052,120-88,052,121, AA deleted. VCF-style (leftmost placement, unchanged base first): chr4-88052119-CAA-C. GRCh37 (hg19) VCF-style: chr4-88973271-CAA-C.
Other names: short protein forms N560fs.
Identifiers: ClinVar variation 2762809 (VCV002762809.3), dbSNP rs2475941897, ClinGen allele CA2697546818.

ClinVar aggregate classification (germline): Pathogenic (1 of 4 stars; one submission).

Conditions:
Autosomal dominant polycystic kidney disease. Identifiers: Orphanet 730, MedGen C0085413, MONDO:0004691.

Submission:

Labcorp Genetics (formerly Invitae), Labcorp
Classification: Pathogenic for Autosomal dominant polycystic kidney disease. Last evaluated: 2023-09-22. Review status: criteria provided, single submitter. Criteria: Invitae Variant Classification Sherloc (09022015). Collection method: clinical testing. Allele origin: germline.
Comment: This sequence change creates a premature translational stop signal (p.Asn560Tyrfs*12) in the PKD2 gene. It is expected to result in an absent or disrupted protein product. Loss-of-function variants in PKD2 are known to be pathogenic (PMID: 17582161, 22863349). For these reasons, this variant has been classified as Pathogenic. This variant has not been reported in the literature in individuals affected with PKD2-related conditions. This variant is not present in population databases (gnomAD no frequency).

Literature cited by the submitters: PubMed 17582161; PubMed 22863349.